The following is an entry in ClinVar:

NM_001040142.2(SCN2A):c.4915C>T (p.Leu1639=)

Gene: SCN2A (sodium voltage-gated channel alpha subunit 2; plus strand). Cytogenetic location: 2q24.3.
Variant type: single nucleotide variant.
Coding change: c.4915C>T on transcript NM_001040142.2 (MANE Select); coding-DNA position 4915, C replaced by T.
Protein change: p.Leu1639=; no amino-acid change (leucine 1639 retained).
Molecular consequence: synonymous variant.
Genome position (GRCh38, 1-based): chr2:165,388,721, C>T. VCF-style: chr2-165388721-C-T. GRCh37 (hg19) VCF-style: chr2-166245231-C-T.
Other names: p.L1639L:CTG>TTG; c.4915C>T, p.Leu1639= (NM_001040143.2, NM_001371246.1, NM_001371247.1 and 1 more transcripts).
Identifiers: ClinVar variation 206954 (VCV000206954.1), dbSNP rs796053108, ClinGen allele CA317842.

ClinVar aggregate classification (germline): Benign (1 of 4 stars; one submission).

Submission:

GeneDx
Classification: Benign. Last evaluated: 2014-06-11. Review status: criteria provided, single submitter. Criteria: GeneDx Variant Classification (06012015). Collection method: clinical testing. Allele origin: germline. Affected: yes.
Comment: This variant is considered likely benign or benign based on one or more of the following criteria: it is a conservative change, it occurs at a poorly conserved position in the protein, it is predicted to be benign by multiple in silico algorithms, and/or has population frequency not consistent with disease.